The following is an entry in ClinVar:

ClinVar aggregate classification (germline): Benign/Likely benign. Review status: criteria provided, multiple submitters, no conflicts (2 of 4 stars). 5 submissions from 5 submitters: Benign (2); Likely benign (3). Last evaluated 2026-02-04.

Conditions:
Osteogenesis imperfecta type 13. Also called: OI, TYPE XIII; Osteogenesis imperfecta, type xiii. Identifiers: Orphanet 666, MedGen C3553887, MONDO:0013924, OMIM 614856.

Allele frequency attached by ClinVar (database versions not stated): 1000 Genomes Project 0.00040; 1000 Genomes Project 30x 0.00078; ExAC 0.00295; gnomAD exomes 0.00322 and 0.00534; gnomAD 0.00359 and 0.00370; TOPMed 0.00364; ESP Exome Variant Server 0.00392.
gnomAD v4.1: 8,346 of 1,614,024 alleles (0.52%); highest among the groups gnomAD compares: Non-Finnish European, 0.64%; 21 homozygotes.

Submissions (5):

Labcorp Genetics (formerly Invitae), Labcorp
Classification: Benign. Last evaluated: 2026-02-04. Review status: criteria provided, single submitter. Criteria: Invitae Variant Classification Sherloc (09022015). Collection method: clinical testing. Allele origin: germline.

Blueprint Genetics
Classification: Likely benign. Last evaluated: 2024-11-18. Review status: criteria provided, single submitter. Criteria: ACMG Guidelines, 2015. Collection method: clinical testing. Allele origin: germline.

ARUP Laboratories, Molecular Genetics and Genomics, ARUP Laboratories
Classification: Likely benign for Osteogenesis imperfecta type 13. Last evaluated: 2023-11-22. Review status: criteria provided, single submitter. Criteria: ARUP Molecular Germline Variant Investigation Process 2024. Collection method: clinical testing. Allele origin: germline.

GeneDx
Classification: Benign. Last evaluated: 2019-07-09. Review status: criteria provided, single submitter. Criteria: GeneDx Variant Classification Process June 2021. Collection method: clinical testing. Allele origin: germline. Affected: yes.

Illumina Laboratory Services, Illumina
Classification: Likely benign for Osteogenesis imperfecta type 13. Last evaluated: 2018-01-13. Review status: criteria provided, single submitter. Criteria: ICSL Variant Classification Criteria 13 December 2019. Collection method: clinical testing. Allele origin: germline.
Comment: This variant was observed in the ICSL laboratory as part of a predisposition screen in an ostensibly healthy population. It had not been previously curated by ICSL or reported in the Human Gene Mutation Database (HGMD: prior to June 1st, 2018), and was therefore a candidate for classification through an automated scoring system. Utilizing variant allele frequency, disease prevalence and penetrance estimates, and inheritance mode, an automated score was calculated to assess if this variant is too frequent to cause the disease. Based on the score and internal cut-off values, a variant classified as likely benign is not then subjected to further curation. The score for this variant resulted in a classification of likely benign for this disease.

NM_006129.5(BMP1):c.2234-12G>A

Gene: BMP1 (bone morphogenetic protein 1; plus strand). Cytogenetic location: 8p21.3.
Variant type: single nucleotide variant.
Coding change: c.2234-12G>A on transcript NM_006129.5 (MANE Select); 12 bases into the intron before coding-DNA position 2234, G replaced by A.
Molecular consequence: intron variant.
Genome position (GRCh38, 1-based): chr8:22,206,842, G>A. VCF-style: chr8-22206842-G-A. GRCh37 (hg19) VCF-style: chr8-22064355-G-A.
Identifiers: ClinVar variation 516549 (VCV000516549.17), dbSNP rs200787977, ClinGen allele CA4665179.
Genomic context (GRCh38, chr8:22,206,842, plus strand): 5'-GGGCCTTCCCCACAGGAGGCATCGGAGCTTGGGGTCCCTCTCTATCCCCTTCCGTCACTC[G>A]CTTCCCTGCAGCCGGCTGTGACCACAAGGTGACATCCACCAGTGGTACCATCACCAGCCC-3'